The following is an entry in ClinVar:

NC_000022.11:g.40345636_40345637del

Gene: ADSL (adenylosuccinate lyase; plus strand). Cytogenetic location: 22q13.1.
Variant type: Deletion.
Genome position: GRCh38 VCF-style: chr22-40345634-TTC-T. GRCh37 (hg19) VCF-style: chr22-40741638-TTC-T.
Identifiers: ClinVar variation 1997126 (VCV001997126.5), dbSNP rs1245724619, ClinGen allele CA753179593.

ClinVar aggregate classification (germline): Uncertain significance (1 of 4 stars; one submission).

Conditions:
Adenylosuccinate lyase deficiency (ADSLD). Also called: ADSL DEFICIENCY. Identifiers: Orphanet 46, MedGen C0268126, MONDO:0007068, OMIM 103050.

Submission:

Labcorp Genetics (formerly Invitae), Labcorp
Classification: Uncertain significance for Adenylosuccinate lyase deficiency. Last evaluated: 2022-05-20. Review status: criteria provided, single submitter. Criteria: Invitae Variant Classification Sherloc (09022015). Collection method: clinical testing. Allele origin: germline.
Comment: This variant has not been reported in the literature in individuals affected with ADSL-related conditions. In summary, the available evidence is currently insufficient to determine the role of this variant in disease. Therefore, it has been classified as a Variant of Uncertain Significance. Experimental studies and prediction algorithms are not available or were not evaluated, and the functional significance of this variant is currently unknown. This variant is not present in population databases (gnomAD no frequency). This variant occurs in a non-coding region of the ADSL gene. It does not change the encoded amino acid sequence of the ADSL protein.